The following is an entry in ClinVar:

NM_000017.4(ACADS):c.478G>A (p.Gly160Ser)

Gene: ACADS (acyl-CoA dehydrogenase short chain; plus strand). Cytogenetic location: 12q24.31.
Variant type: single nucleotide variant.
Coding change: c.478G>A on transcript NM_000017.4 (MANE Select); coding-DNA position 478, G replaced by A.
Protein change: p.Gly160Ser; replaces glycine 160 with serine.
Molecular consequence: missense variant. On other transcripts: intron variant (1).
Genome position (GRCh38, 1-based): chr12:120,737,842, G>A. VCF-style: chr12-120737842-G-A. GRCh37 (hg19) VCF-style: chr12-121175645-G-A.
Other names: c.473-207G>A (NM_001302554.2); short protein forms G160S.
Identifiers: ClinVar variation 2199027 (VCV002199027.4), dbSNP rs892321574, ClinGen allele CA244522595.

ClinVar aggregate classification (germline): Uncertain significance (1 of 4 stars; one submission).

Conditions:
Deficiency of butyryl-CoA dehydrogenase (ACADSD). Also called: SCAD DEFICIENCY, MILD; SCADH DEFICIENCY; SCAD Deficiency; ACADS DEFICIENCY; Short-Chain Acyl-CoA Dehydrogenase Deficiency; ACYL-CoA DEHYDROGENASE, SHORT-CHAIN, DEFICIENCY OF. Identifiers: Orphanet 26792, MedGen C0342783, MONDO:0008722, OMIM 201470. Disease mechanism: May be benign.

Allele frequency attached by ClinVar (database versions not stated): gnomAD 0.00002.
gnomAD v4.1: 7 of 1,613,836 alleles (0.00043%); highest among the groups gnomAD compares: Admixed American, 0.0033%; no homozygotes.

Submission:

Labcorp Genetics (formerly Invitae), Labcorp
Classification: Uncertain significance for Deficiency of butyryl-CoA dehydrogenase. Last evaluated: 2025-10-01. Review status: criteria provided, single submitter. Criteria: Invitae Variant Classification Sherloc (09022015). Collection method: clinical testing. Allele origin: germline.
Comment: This sequence change replaces glycine, which is neutral and non-polar, with serine, which is neutral and polar, at codon 160 of the ACADS protein (p.Gly160Ser). This variant is present in population databases (no rsID available, gnomAD 0.006%). This variant has not been reported in the literature in individuals affected with ACADS-related conditions. ClinVar contains an entry for this variant (Variation ID: 2199027). Invitae Evidence Modeling of protein sequence and biophysical properties (such as structural, functional, and spatial information, amino acid conservation, physicochemical variation, residue mobility, and thermodynamic stability) indicates that this missense variant is expected to disrupt ACADS protein function with a positive predictive value of 95%. In summary, the available evidence is currently insufficient to determine the role of this variant in disease. Therefore, it has been classified as a Variant of Uncertain Significance.